The following is an entry in ClinVar:

ClinVar aggregate classification (germline): Pathogenic. Review status: criteria provided, multiple submitters, no conflicts (2 of 4 stars). 2 submissions from 2 submitters: Pathogenic (2). Last evaluated 2025-09-16.

Conditions:
Hypertrophic cardiomyopathy 26. Also called: Cardiomyopathy, familial hypertrophic, 26. Identifiers: Orphanet 75249, MedGen C4310749, MONDO:0014883, OMIM 617047.
Myofibrillar myopathy 5. Also called: Filaminopathy (type); FILAMINOPATHY, AUTOSOMAL DOMINANT. Identifiers: Orphanet 171445, MedGen C1836050, MONDO:0012289, OMIM 609524.
Distal myopathy with posterior leg and anterior hand involvement. Also called: WILLIAMS DISTAL MYOPATHY. Identifiers: Orphanet 63273, MedGen C3279722, MONDO:0013550, OMIM 614065.
Cardiovascular phenotype. Identifiers: MedGen CN230736.

Submissions (2):

Labcorp Genetics (formerly Invitae), Labcorp
Classification: Pathogenic for Distal myopathy with posterior leg and anterior hand involvement; Myofibrillar myopathy 5; Hypertrophic cardiomyopathy 26. Last evaluated: 2025-09-16. Review status: criteria provided, single submitter. Criteria: Invitae Variant Classification Sherloc (09022015). Collection method: clinical testing. Allele origin: germline.
Comment: This sequence change creates a premature translational stop signal (p.Asn329Lysfs*23) in the FLNC gene. It is expected to result in an absent or disrupted protein product. Loss-of-function variants in FLNC are known to be pathogenic (PMID: 27908349). This variant is not present in population databases (gnomAD no frequency). This variant has not been reported in the literature in individuals affected with FLNC-related conditions. ClinVar contains an entry for this variant (Variation ID: 2585955). Algorithms developed to predict the effect of sequence changes on RNA splicing suggest that this variant may disrupt the consensus splice site. For these reasons, this variant has been classified as Pathogenic.

Ambry Genetics
Classification: Pathogenic for Cardiovascular phenotype. Last evaluated: 2023-07-07. Review status: criteria provided, single submitter. Criteria: Ambry Variant Classification Scheme 2023. Collection method: clinical testing. Allele origin: germline.
Comment: The c.985_986dupAA pathogenic mutation, located in coding exon 6 of the FLNC gene, results from a duplication of AA at nucleotide position 985, causing a translational frameshift with a predicted alternate stop codon (p.N329Kfs*23). This variant is considered to be rare based on population cohorts in the Genome Aggregation Database (gnomAD). This alteration is expected to result in loss of function by premature protein truncation or nonsense-mediated mRNA decay. Based on the supporting evidence, this variant is expected to be causative of FLNC-related dilated cardiomyopathy; however, its clinical significance for FLNC-related hypertrophy/restrictive cardiomyopathy and/or skeletal myopathy is unclear.

Literature cited by the submitters: PubMed 27908349 (cited by Labcorp Genetics (formerly Invitae), Labcorp).

NM_001458.5(FLNC):c.985_986dup (p.Asn329fs)

Gene: FLNC (filamin C; plus strand). Cytogenetic location: 7q32.1.
Variant type: Duplication.
Coding change: c.985_986dup on transcript NM_001458.5 (MANE Select); coding-DNA positions 985 to 986, 2 bases duplicated (AA; older notation c.985_986dupAA).
Protein change: p.Asn329fs; shifts the reading frame from asparagine 329.
Molecular consequence: frameshift variant.
Genome position (GRCh38, 1-based): chr7:128,838,002-128,838,003, AA duplicated. VCF-style (leftmost placement, unchanged base first): chr7-128838001-C-CAA. GRCh37 (hg19) VCF-style: chr7-128478055-C-CAA.
Other names: c.985_986dup, p.Asn329fs (NM_001127487.2); c.985_986dupAA (NM_001458.4); short protein forms N329fs.
Identifiers: ClinVar variation 2585955 (VCV002585955.5), dbSNP rs2536619879, ClinGen allele CA2582341944.